The following continues an entry in ClinVar:

NM_000243.3(MEFV):c.2084A>G (p.Lys695Arg)

ClinVar aggregate classification (germline): Conflicting classifications of pathogenicity. Pathogenic (5); Likely pathogenic (6); Uncertain significance (21); Likely benign (2).

Submissions 40 to 45 of 45:

Department of Pathology and Laboratory Medicine, Sinai Health System
Classification: Uncertain significance. Review status: no assertion criteria provided. Collection method: clinical testing. Allele origin: unknown. Affected: yes. Study: The Canadian Open Genetics Repository (COGR). Not counted in ClinVar's aggregate classification.
Comment: The MEFV p.Lys695Arg variant was identified in multiple individuals with familial Mediterranean fever (FMF) or with suspected FMF (Cekin_2017_PMID:28483595; Bernot_1998_PMID:9668175; Debeljak_2015_PMID:26399837; Caglayan_2009_PMID:19934083). However, this variant was also identified in several phenotypically healthy heterozygous individuals (Bernot_1998_PMID:9668175; Milenkovic_2016_PMID:27364639; Debeljak_2015_PMID:26399837; Salehzadeh_2013_PMID:25793047). The variant was identified in dbSNP (ID: rs104895094) and ClinVar (classified as pathogenic by eight submitters including Ambry Genetics, GeneDx, Illumina, and ARUP Laboratories; as likely pathogenic by Counsyl and EGL Genetics; as likely benign by Invitae; and as uncertain significance by Laboratory for Molecular Medicine and four other submitters). The variant was identified in control databases in 1648 of 282878 chromosomes (11 homozygous) at a frequency of 0.005826 increasing the likelihood this could be a low frequency benign variant (Genome Aggregation Database March 6, 2019, v2.1.1). The variant was observed in the following populations: European (Finnish) in 405 of 25120 chromosomes (freq: 0.01612), Ashkenazi Jewish in 95 of 10370 chromosomes (freq: 0.009161), European (non-Finnish) in 1026 of 129188 chromosomes (freq: 0.007942), Other in 57 of 7224 chromosomes (freq: 0.00789), Latino in 55 of 35440 chromosomes (freq: 0.001552), African in 7 of 24966 chromosomes (freq: 0.00028) and South Asian in 3 of 30616 chromosomes (freq: 0.000098), but was not observed in the East Asian population. The p.Lys695 residue is not conserved in mammals and four out of five computational analyses (PolyPhen-2, SIFT, AlignGVGD, BLOSUM, MutationTaster) do not suggest a high likelihood of impact to the protein; however, this information is not predictive enough to rule out pathogenicity. The variant occurs outside of the splicing consensus sequence and in silico or computational prediction software programs (SpliceSiteFinder, MaxEntScan, NNSPLICE, GeneSplicer) do not predict a difference in splicing. In summary, based on the above information the clinical significance of this variant cannot be determined with certainty at this time. This variant is classified as a variant of uncertain significance.

Diagnostic Laboratory, Department of Genetics, University Medical Center Groningen
Classification: Likely pathogenic. Review status: no assertion criteria provided. Collection method: clinical testing. Allele origin: germline. Affected: yes. Study: VKGL Data-share Consensus. Not counted in ClinVar's aggregate classification.

GeneReviews
No classification provided. Condition: Familial Mediterranean fever. Review status: no classification provided. Collection method: literature only. Allele origin: germline. Affected: yes. Not counted in ClinVar's aggregate classification.

Genome Diagnostics Laboratory, University Medical Center Utrecht
Classification: Likely pathogenic. Review status: no assertion criteria provided. Collection method: clinical testing. Allele origin: germline. Affected: yes. Study: VKGL Data-share Consensus. Not counted in ClinVar's aggregate classification.

Joint Genome Diagnostic Labs from Nijmegen and Maastricht, Radboudumc and MUMC+
Classification: Pathogenic. Review status: no assertion criteria provided. Collection method: clinical testing. Allele origin: germline. Affected: yes. Study: VKGL Data-share Consensus. Not counted in ClinVar's aggregate classification.

Unité médicale des maladies autoinflammatoires, CHRU Montpellier
No classification provided. Condition: Familial Mediterranean fever. Review status: no classification provided. Collection method: not provided. Allele origin: unknown. Not counted in ClinVar's aggregate classification.

Literature cited by the submitters: PubMed 10090880 (cited by 5 submitters); PubMed 11977178 (cited by 3 submitters); PubMed 21413889 (cited by 4 submitters); PubMed 22903357 (cited by Johns Hopkins Genomics, Johns Hopkins University and Women's Health and Genetics/Laboratory Corporation of America, LabCorp); PubMed 29047407 (cited by Johns Hopkins Genomics, Johns Hopkins University and Women's Health and Genetics/Laboratory Corporation of America, LabCorp); PubMed 31989427 (cited by Johns Hopkins Genomics, Johns Hopkins University and Women's Health and Genetics/Laboratory Corporation of America, LabCorp); PubMed 37072232 (cited by Johns Hopkins Genomics, Johns Hopkins University and Women's Health and Genetics/Laboratory Corporation of America, LabCorp); PubMed 9668175 (cited by 8 submitters); PubMed 20534143 (cited by Women's Health and Genetics/Laboratory Corporation of America, LabCorp); PubMed 10612841 (cited by 3 submitters); PubMed 17489852 (cited by Women's Health and Genetics/Laboratory Corporation of America, LabCorp and Mayo Clinic Laboratories, Mayo Clinic); PubMed 10842288 (cited by Women's Health and Genetics/Laboratory Corporation of America, LabCorp); PubMed 15024744 (cited by Women's Health and Genetics/Laboratory Corporation of America, LabCorp); PubMed 19253030 (cited by Women's Health and Genetics/Laboratory Corporation of America, LabCorp); PubMed 22614345 (cited by Women's Health and Genetics/Laboratory Corporation of America, LabCorp); PubMed 15018633 (cited by Women's Health and Genetics/Laboratory Corporation of America, LabCorp); PubMed 19934083 (cited by Women's Health and Genetics/Laboratory Corporation of America, LabCorp and Mayo Clinic Laboratories, Mayo Clinic); PubMed 23907647 (cited by Women's Health and Genetics/Laboratory Corporation of America, LabCorp); PubMed 10787450 (cited by Women's Health and Genetics/Laboratory Corporation of America, LabCorp); PubMed 25615955 (cited by Women's Health and Genetics/Laboratory Corporation of America, LabCorp); PubMed 29543225 (cited by Women's Health and Genetics/Laboratory Corporation of America, LabCorp and Mayo Clinic Laboratories, Mayo Clinic); PubMed 23505242 (cited by Women's Health and Genetics/Laboratory Corporation of America, LabCorp); PubMed 29599418 (cited by Women's Health and Genetics/Laboratory Corporation of America, LabCorp); PubMed 26078663 (cited by Women's Health and Genetics/Laboratory Corporation of America, LabCorp); PubMed 21978701 (cited by Women's Health and Genetics/Laboratory Corporation of America, LabCorp); PubMed 32312770 (cited by Women's Health and Genetics/Laboratory Corporation of America, LabCorp and Mayo Clinic Laboratories, Mayo Clinic); PubMed 33733382 (cited by Women's Health and Genetics/Laboratory Corporation of America, LabCorp and Mayo Clinic Laboratories, Mayo Clinic); PubMed 34426522 (cited by Women's Health and Genetics/Laboratory Corporation of America, LabCorp); PubMed 35098403 (cited by Women's Health and Genetics/Laboratory Corporation of America, LabCorp); PubMed 23588594 (cited by 3 submitters); PubMed 23981758 (cited by Mayo Clinic Laboratories, Mayo Clinic and Ambry Genetics); PubMed 24251727 (cited by 3 submitters); PubMed 24469716 (cited by Mayo Clinic Laboratories, Mayo Clinic and Counsyl); PubMed 26399837 (cited by Mayo Clinic Laboratories, Mayo Clinic); PubMed 26690517 (cited by Mayo Clinic Laboratories, Mayo Clinic); PubMed 27364639 (cited by Mayo Clinic Laboratories, Mayo Clinic); PubMed 29173686 (cited by Mayo Clinic Laboratories, Mayo Clinic); PubMed 30783801 (cited by Mayo Clinic Laboratories, Mayo Clinic); PubMed 30826945 (cited by Mayo Clinic Laboratories, Mayo Clinic); PubMed 32199921 (cited by Mayo Clinic Laboratories, Mayo Clinic); PubMed 32597225 (cited by Mayo Clinic Laboratories, Mayo Clinic); PubMed 33258288 (cited by Mayo Clinic Laboratories, Mayo Clinic); PubMed 35874679 (cited by Mayo Clinic Laboratories, Mayo Clinic); PubMed 39052144 (cited by Mayo Clinic Laboratories, Mayo Clinic); PubMed 39941383 (cited by Mayo Clinic Laboratories, Mayo Clinic); PubMed 9715731 (cited by Mayo Clinic Laboratories, Mayo Clinic); PubMed 16730661 (cited by 3billion and Laboratory for Molecular Medicine, Mass General Brigham Personalized Medicine); PubMed 21153919 (cited by Center for Genomic Medicine, Rigshospitalet, Copenhagen University Hospital); PubMed 32853466 (cited by Center for Genomic Medicine, Rigshospitalet, Copenhagen University Hospital); PubMed 11464238 (cited by Ambry Genetics); PubMed 24929125 (cited by Laboratory for Molecular Medicine, Mass General Brigham Personalized Medicine and Counsyl); PubMed 21246368 (cited by Laboratory for Molecular Medicine, Mass General Brigham Personalized Medicine); PubMed 20041150 (cited by Laboratory for Molecular Medicine, Mass General Brigham Personalized Medicine); NCBI Bookshelf NBK1227 (cited by GeneReviews).